The following is an entry in ClinVar:

NM_001370259.2(MEN1):c.1532dup (p.Ser512fs)

Gene: MEN1 (menin 1; minus strand). Cytogenetic location: 11q13.1.
Variant type: Duplication.
Coding change: c.1532dup on transcript NM_001370259.2 (MANE Select); coding-DNA position 1532, one base duplicated (T; older notation c.1532dupT).
Protein change: p.Ser512fs; shifts the reading frame from serine 512.
Molecular consequence: frameshift variant.
Genome position (GRCh38, 1-based): chr11:64,804,635, A duplicated on the plus strand (T on the coding strand, the reverse complement: MEN1 is on the minus strand). VCF-style (leftmost placement, unchanged base first): chr11-64804634-C-CA. GRCh37 (hg19) VCF-style: chr11-64572106-C-CA.
Other names: c.1547dup, p.Ser517fs (NM_000244.4, NM_130800.3, NM_130801.3 and 3 more transcripts); c.1658dup, p.Ser554fs (NM_001370251.2); c.1532dup, p.Ser512fs (NM_001370260.2, NM_001370261.2, NM_130799.3); c.1427dup, p.Ser477fs (NM_001370262.2, NM_001370263.2); short protein forms S554fs, S477fs, S517fs, S512fs.
Identifiers: ClinVar variation 945294 (VCV000945294.9), dbSNP rs1941531859, ClinGen allele CA1139661992.

ClinVar aggregate classification (germline): Pathogenic (1 of 4 stars; one submission).

Conditions:
Multiple endocrine neoplasia, type 1 (MEN1). Also called: MEN I; WERMER SYNDROME; Endocrine adenomatosis multiple; MEN 1; MEA I. Identifiers: Orphanet 652, MedGen C0025267, MeSH D018761, MONDO:0007540, OMIM 131100.

Submission:

Labcorp Genetics (formerly Invitae), Labcorp
Classification: Pathogenic for Multiple endocrine neoplasia, type 1. Last evaluated: 2025-06-06. Review status: criteria provided, single submitter. Criteria: Invitae Variant Classification Sherloc (09022015). Collection method: clinical testing. Allele origin: germline.
Comment: This sequence change creates a premature translational stop signal (p.Ser512Valfs*19) in the MEN1 gene. While this is not anticipated to result in nonsense mediated decay, it is expected to disrupt the last 99 amino acid(s) of the MEN1 protein. This variant is not present in population databases (gnomAD no frequency). This premature translational stop signal has been observed in individual(s) with clinical features of MEN1-related conditions (internal data). ClinVar contains an entry for this variant (Variation ID: 945294). This variant disrupts a region of the MEN1 protein in which other variant(s) (p.Lys559Glufs*38) have been determined to be pathogenic (PMID: 10090472, 15331604, 16449969; internal data). This suggests that this is a clinically significant region of the protein, and that variants that disrupt it are likely to be disease-causing. For these reasons, this variant has been classified as Pathogenic.

Literature cited by the submitters: PubMed 10090472; PubMed 15331604; PubMed 16449969.